The following is an entry in ClinVar:

NM_001167.4(XIAP):c.*6566G>A

Gene: XIAP (X-linked inhibitor of apoptosis; plus strand). Cytogenetic location: Xq25.
Variant type: single nucleotide variant.
Coding change: c.*6566G>A on transcript NM_001167.4 (MANE Select); 6566 bases downstream of the stop codon, G replaced by A.
Molecular consequence: 3 prime UTR variant. On other transcripts: non-coding transcript variant (2).
Genome position (GRCh38, 1-based): chrX:123,913,747, G>A. VCF-style: chrX-123913747-G-A. GRCh37 (hg19) VCF-style: chrX-123047597-G-A.
Other names: c.*6566G>A (NM_001204401.2, NM_001378590.1, NM_001378591.1 and 1 more transcripts).
Identifiers: ClinVar variation 914796 (VCV000914796.4), dbSNP rs770051891, ClinGen allele CA10508501.
Genomic context (GRCh38, chrX:123,913,747, plus strand): 5'-GGTTTTAATGTAATTTATGTTAGATTTTGCATTTTTTTCATTACTGTTATATTTTAACCT[G>A]ACTGACTGATCTAATTGTATTAGTATTGTGAATAATCATGTGAAATGTTTTGAGACAGAG-3'

ClinVar aggregate classification (germline): Benign (1 of 4 stars; one submission).

Conditions:
X-linked lymphoproliferative disease due to XIAP deficiency. Also called: XIAP-Related Lymphoproliferative Disease, X-Linked; XIAP DEFICIENCY. Identifiers: Orphanet 2442, Orphanet 538934, MedGen C1845076, MONDO:0010385, OMIM 300635.

Allele frequency attached by ClinVar (database versions not stated): gnomAD 0.00001 and 0.00005; TOPMed 0.00004; 1000 Genomes Project 0.00026; gnomAD exomes 0.00030 and 0.00043; ExAC 0.00069.
gnomAD v4.1: 97 of 323,061 alleles (0.03%); highest among the groups gnomAD compares: South Asian, 0.2%; 2 homozygotes.

Submission:

Illumina Laboratory Services, Illumina
Classification: Benign for X-linked lymphoproliferative disease due to XIAP deficiency. Last evaluated: 2018-01-12. Review status: criteria provided, single submitter. Criteria: ICSL Variant Classification Criteria 13 December 2019. Collection method: clinical testing. Allele origin: germline.
Comment: This variant was observed in the ICSL laboratory as part of a predisposition screen in an ostensibly healthy population. It had not been previously curated by ICSL or reported in the Human Gene Mutation Database (HGMD: prior to June 1st, 2018), and was therefore a candidate for classification through an automated scoring system. Utilizing variant allele frequency, disease prevalence and penetrance estimates, and inheritance mode, an automated score was calculated to assess if this variant is too frequent to cause the disease. Based on the score and internal cut-off values, a variant classified as benign is not then subjected to further curation. The score for this variant resulted in a classification of benign for this disease.